The following is an entry in ClinVar:

NM_001257096.2(PAX1):c.*152A>C

Gene: PAX1 (paired box 1; plus strand). Cytogenetic location: 20p11.22.
Variant type: single nucleotide variant.
Coding change: c.*152A>C on transcript NM_001257096.2 (MANE Select); 152 bases downstream of the stop codon, A replaced by C.
Molecular consequence: 3 prime UTR variant. On other transcripts: missense variant (1).
Genome position (GRCh38, 1-based): chr20:21,714,714, A>C. VCF-style: chr20-21714714-A-C. GRCh37 (hg19) VCF-style: chr20-21695352-A-C.
Other names: c.1516A>C (NM_006192.3); c.1516A>C, p.Ser506Arg (NM_006192.5); short protein forms S506R.
Identifiers: ClinVar variation 2430416 (VCV002430416.2), dbSNP rs1985311409, ClinGen allele CA408500260.

ClinVar aggregate classification (germline): Uncertain significance. Review status: criteria provided, multiple submitters, no conflicts (2 of 4 stars). 2 submissions from 2 submitters: Uncertain significance (2). Last evaluated 2025-11-11.

Conditions:
Inborn genetic diseases. Identifiers: MedGen C0950123, MeSH D030342.

Allele frequency attached by ClinVar (database versions not stated): gnomAD exomes below 0.00001; TOPMed below 0.00001.

Submissions (2):

Ambry Genetics
Classification: Uncertain significance for Inborn genetic diseases. Last evaluated: 2025-11-11. Review status: criteria provided, single submitter. Criteria: Ambry Variant Classification Scheme 2023. Collection method: clinical testing. Allele origin: germline.

GeneDx
Classification: Uncertain significance. Last evaluated: 2022-08-21. Review status: criteria provided, single submitter. Criteria: GeneDx Variant Classification Process June 2021. Collection method: clinical testing. Allele origin: germline. Affected: yes.
Comment: Not observed at significant frequency in large population cohorts (gnomAD); In silico analysis supports that this missense variant does not alter protein structure/function; Has not been previously published as pathogenic or benign to our knowledge